The following is an entry in ClinVar:

ClinVar aggregate classification (germline): Pathogenic (1 of 4 stars; one submission).

Conditions:
Hereditary breast ovarian cancer syndrome. Also called: Hereditary breast and ovarian cancer; Breast and ovarian cancer; Hereditary breast and/or ovarian cancer syndrome; Hereditary breast and ovarian cancer syndrome; Hereditary breast and ovarian cancer syndrome (HBOC); BRCA1- and BRCA2-Associated Hereditary Breast and Ovarian Cancer. Identifiers: Orphanet 145, MedGen C0677776, MeSH D061325, MONDO:0003582. Disease mechanism: loss of function.

Submission:

Labcorp Genetics (formerly Invitae), Labcorp
Classification: Pathogenic for Hereditary breast ovarian cancer syndrome. Last evaluated: 2019-12-25. Review status: criteria provided, single submitter. Criteria: Invitae Variant Classification Sherloc (09022015). Collection method: clinical testing. Allele origin: germline.
Comment: For these reasons, this variant has been classified as Pathogenic. Loss-of-function variants in BRCA2 are known to be pathogenic (PMID: 20104584). This variant has been observed in individual(s) with breast cancer (PMID: 28294317). This variant is not present in population databases (ExAC no frequency). This sequence change creates a premature translational stop signal (p.Gly2353Valfs*14) in the BRCA2 gene. It is expected to result in an absent or disrupted protein product.

Literature cited by the submitters: PubMed 20104584; PubMed 28294317.

NM_000059.4(BRCA2):c.7058del (p.Gly2353fs)

Gene: BRCA2 (BRCA2 DNA repair associated; plus strand). Cytogenetic location: 13q13.1.
Variant type: Deletion.
Coding change: c.7058del on transcript NM_000059.4 (MANE Select); coding-DNA position 7058, one base deleted (G; older notation c.7058delG).
Protein change: p.Gly2353fs; shifts the reading frame from glycine 2353.
Molecular consequence: frameshift variant.
Genome position (GRCh38, 1-based): chr13:32,354,911, G deleted; the last of 2 consecutive G bases (chr13:32,354,910-32,354,911); deleting either gives the same sequence. VCF-style (leftmost placement, unchanged base first): chr13-32354909-TG-T. GRCh37 (hg19) VCF-style: chr13-32929046-TG-T.
Other names: short protein forms G2353fs.
Identifiers: ClinVar variation 859418 (VCV000859418.12), dbSNP rs1566240739, ClinGen allele CA916080530.